The following is an entry in ClinVar:

ClinVar aggregate classification (germline): Uncertain significance (1 of 4 stars; one submission).

Conditions:
Atrial fibrillation, familial, 18 (ATFB18). Identifiers: MedGen C4310636, MONDO:0015001, OMIM 617280.

Submission:

Labcorp Genetics (formerly Invitae), Labcorp
Classification: Uncertain significance for Atrial fibrillation, familial, 18. Last evaluated: 2021-08-03. Review status: criteria provided, single submitter. Criteria: Invitae Variant Classification Sherloc (09022015). Collection method: clinical testing. Allele origin: germline.
Comment: In summary, the available evidence is currently insufficient to determine the role of this variant in disease. Therefore, it has been classified as a Variant of Uncertain Significance. Algorithms developed to predict the effect of missense changes on protein structure and function are either unavailable or do not agree on the potential impact of this missense change (SIFT: "Tolerated"; PolyPhen-2: "Not Available"; Align-GVGD: "Class C0"). This variant has not been reported in the literature in individuals affected with MYL4-related conditions. This variant is not present in population databases (ExAC no frequency). This sequence change replaces lysine with arginine at codon 5 of the MYL4 protein (p.Lys5Arg). The lysine residue is weakly conserved and there is a small physicochemical difference between lysine and arginine.

NM_002476.2(MYL4):c.14A>G (p.Lys5Arg)

Gene: MYL4 (myosin light chain 4; plus strand). Cytogenetic location: 17q21.32.
Variant type: single nucleotide variant.
Coding change: c.14A>G on transcript NM_002476.2 (MANE Select); coding-DNA position 14, A replaced by G.
Protein change: p.Lys5Arg; replaces lysine 5 with arginine.
Molecular consequence: missense variant.
Genome position (GRCh38, 1-based): chr17:47,209,436, A>G. VCF-style: chr17-47209436-A-G. GRCh37 (hg19) VCF-style: chr17-45286802-A-G.
Other names: c.14A>G, p.Lys5Arg (NM_001002841.2); short protein forms K5R.
Identifiers: ClinVar variation 1509929 (VCV001509929.6), dbSNP rs2149040684, ClinGen allele CA400030791.
Genomic context (GRCh38, chr17:47,209,436, plus strand): 5'-GGTTTCTTCTTAGATCACTCCTCTGCCAAAGATCCCAACAAGACAACATGGCTCCCAAGA[A>G]GCCTGAGCCTAAGAAGGAGGCAGCCAAGCCAGCTCCAGCTCCAGCTCCAGCCCCTGCACC-3'
Protein context (NP_002467.1, residues 1-15): MAPK[Lys5Arg]PEPKKEAAKP